The following is an entry in ClinVar:

NM_001875.5(CPS1):c.1549+1G>T

Gene: CPS1 (carbamoyl-phosphate synthase 1; plus strand). Cytogenetic location: 2q34.
Variant type: single nucleotide variant.
Coding change: c.1549+1G>T on transcript NM_001875.5 (MANE Select); the canonical splice donor site of the intron after coding-DNA position 1549, G replaced by T.
Molecular consequence: splice donor variant.
Genome position (GRCh38, 1-based): chr2:210,599,562, G>T. VCF-style: chr2-210599562-G-T. GRCh37 (hg19) VCF-style: chr2-211464286-G-T.
Other names: c.1549+1G>T (NM_001875.4, NM_001369257.1, NM_001122633.3); c.1582+1G>T (NM_001369256.1).
Identifiers: ClinVar variation 1069203 (VCV001069203.10), dbSNP rs774484322, ClinGen allele CA64755212.

ClinVar aggregate classification (germline): Pathogenic/Likely pathogenic. Review status: criteria provided, multiple submitters, no conflicts (2 of 4 stars). 4 submissions from 4 submitters: Pathogenic (3); Likely pathogenic (1). Last evaluated 2024-10-02.

Conditions:
Pulmonary hypertension, neonatal, susceptibility to (PHN). Identifiers: MedGen C3714958, MONDO:0014151, OMIM 615371.
Congenital hyperammonemia, type I. Also called: Carbamoyl phosphate synthetase I deficiency disease; Carbamoyl phosphate synthetase 1 deficiency; Hyperammonemia due to carbamoyl phosphate synthetase 1 deficiency; CPS 1 deficiency; Carbamyl phosphate synthetase (CPS) deficiency; CPS I DEFICIENCY. Identifiers: Orphanet 147, MedGen C4082171, MONDO:0009376, OMIM 237300.

Allele frequency attached by ClinVar (database versions not stated): TOPMed 0.00001.
gnomAD v4.1: 4 of 1,612,064 alleles (0.00025%); highest among the groups gnomAD compares: Non-Finnish European, 0.00025%; no homozygotes.

Submissions (4):

Women's Health and Genetics/Laboratory Corporation of America, LabCorp
Classification: Likely pathogenic for Congenital hyperammonemia, type I. Last evaluated: 2024-10-02. Review status: criteria provided, single submitter. Criteria: LabCorp Variant Classification Summary - May 2015. Collection method: clinical testing. Allele origin: germline.
Comment: Variant summary: CPS1 c.1549+1G>T is located in a canonical splice-site and is predicted to affect mRNA splicing resulting in a significantly altered protein due to either exon skipping, shortening, or inclusion of intronic material. Variants that disrupt the consensus splice site are a relatively common cause of aberrant splicing and loss of CPS1 function. Several computational tools predict a significant impact on normal splicing: Three predict the variant abolishes a 5' splicing donor site. However, these predictions have yet to be confirmed by functional studies. The frequency data for this variant in gnomAD is considered unreliable, as metrics indicate poor data quality at this position. c.1549+1G>T has been reported in the literature in at least one compound heterozygous individual affected with Carbamoylphosphate Synthetase I Deficiency (Haberle_2011). To our knowledge, no experimental evidence demonstrating an impact on protein function has been reported. The following publications have been ascertained in the context of this evaluation (PMID: 21120950, 33309754). ClinVar contains an entry for this variant (Variation ID: 1069203). Based on the evidence outlined above, the variant was classified as likely pathogenic.

Natera, Inc.
Classification: Pathogenic for Carbamoyl-phosphate synthase I deficiency. Last evaluated: 2024-04-10. Review status: criteria provided, single submitter. Criteria: Natera Variant Classification Schema (03/2026). Collection method: clinical testing. Allele origin: germline.
Comment: The c.1549+1G>T variant in CPS1 is a canonical splice donor site variant predicted to affect pre-mRNA splicing, which may result in an abnormal transcript and altered protein product. This variant is expected to result in nonsense mediated decay, truncation, or a dysfunctional protein product. This variant is rare in the general population with a frequency below the threshold expected for the associated phenotype(s). This variant has been observed in one or more individuals affected with the associated recessive disease, as either homozygous or compound heterozygous with a second variant (PMID: 33309754). Given the available evidence, this variant is classified as Pathogenic.

Baylor Genetics
Classification: Pathogenic for Pulmonary hypertension, neonatal, susceptibility to. Last evaluated: 2023-08-09. Review status: criteria provided, single submitter. Criteria: ACMG Guidelines, 2015. Collection method: clinical testing. Allele origin: unknown.

Labcorp Genetics (formerly Invitae), Labcorp
Classification: Pathogenic for Congenital hyperammonemia, type I. Last evaluated: 2021-09-03. Review status: criteria provided, single submitter. Criteria: Invitae Variant Classification Sherloc (09022015). Collection method: clinical testing. Allele origin: germline.
Comment: Algorithms developed to predict the effect of sequence changes on RNA splicing suggest that this variant may disrupt the consensus splice site. Disruption of this splice site has been observed in individual(s) with carbamoyl phosphate synthetase I (CPS1) deficiency (PMID: 21120950). This variant is not present in population databases (ExAC no frequency). This sequence change affects a donor splice site in intron 14 of the CPS1 gene. It is expected to disrupt RNA splicing. Variants that disrupt the donor or acceptor splice site typically lead to a loss of protein function (PMID: 16199547), and loss-of-function variants in CPS1 are known to be pathogenic (PMID: 21120950). For these reasons, this variant has been classified as Pathogenic.

Literature cited by the submitters: PubMed 21120950 (cited by Women's Health and Genetics/Laboratory Corporation of America, LabCorp and Labcorp Genetics (formerly Invitae), Labcorp); PubMed 33309754 (cited by Women's Health and Genetics/Laboratory Corporation of America, LabCorp and Natera, Inc.); PubMed 16199547 (cited by Labcorp Genetics (formerly Invitae), Labcorp).